The following is an entry in ClinVar:

ClinVar aggregate classification (germline): Uncertain significance (1 of 4 stars; one submission).

Conditions:
Cardiovascular phenotype. Identifiers: MedGen CN230736.

Submission:

Ambry Genetics
Classification: Uncertain significance for Cardiovascular phenotype. Last evaluated: 2021-04-24. Review status: criteria provided, single submitter. Criteria: Ambry Variant Classification Scheme 2023. Collection method: clinical testing. Allele origin: germline.
Comment: The p.L3686V variant (also known as c.11056T>G), located in coding exon 42 of the ANK2 gene, results from a T to G substitution at nucleotide position 11056. The leucine at codon 3686 is replaced by valine, an amino acid with highly similar properties. This amino acid position is not well conserved in available vertebrate species, and valine is the reference amino acid in other vertebrate species. In addition, the in silico prediction for this alteration is inconclusive. Since supporting evidence is limited at this time, the clinical significance of this alteration remains unclear.

NM_001148.6(ANK2):c.11056T>G (p.Leu3686Val)

Gene: ANK2 (ankyrin 2; plus strand). Cytogenetic location: 4q26.
Variant type: single nucleotide variant.
Coding change: c.11056T>G on transcript NM_001148.6 (MANE Select); coding-DNA position 11056, T replaced by G.
Protein change: p.Leu3686Val; replaces leucine 3686 with valine.
Molecular consequence: missense variant.
Genome position (GRCh38, 1-based): chr4:113,367,589, T>G. VCF-style: chr4-113367589-T-G. GRCh37 (hg19) VCF-style: chr4-114288745-T-G.
Other names: c.4318T>G, p.Leu1440Val (NM_001386158.1); c.4645T>G, p.Leu1549Val (NM_001386160.1); c.4735T>G, p.Leu1579Val (NM_001386161.1, NM_001354244.2, NM_001354256.2); c.4615T>G, p.Leu1539Val (NM_001386162.1, NM_001354249.2, NM_001354266.2 and 2 more transcripts); c.7456T>G, p.Leu2486Val (NM_001386166.1); c.1201T>G, p.Leu401Val (NM_001386167.1); c.11197T>G, p.Leu3733Val (NM_001386174.1); c.11173T>G, p.Leu3725Val (NM_001386175.1); and 35 more; short protein forms L1501V, L1506V, L1528V, L1530V, L1535V, L1539V, L1546V, L1567V.
Identifiers: ClinVar variation 1793483 (VCV001793483.2), dbSNP rs1444271452, ClinGen allele CA357941862.
Genomic context (GRCh38, chr4:113,367,589, plus strand): 5'-AAGCTTCAACTAAATACTTAAATCATTCTGCCTTTAGGGTTCTCGGTACTTCAAGAGGAG[T>G]TATGCACTGCACAGCACAAGCAGAAAGAGGAGCAAGCTGTTTCTAAAGAAAGTGAGACCT-3'
Protein context (NP_001139.3, residues 3676-3696): SEGFSVLQEE[Leu3686Val]CTAQHKQKEE